The following is an entry in ClinVar:

NM_000426.4(LAMA2):c.5108T>C (p.Leu1703Pro)

Gene: LAMA2 (laminin subunit alpha 2; plus strand). Cytogenetic location: 6q22.33.
Variant type: single nucleotide variant.
Coding change: c.5108T>C on transcript NM_000426.4 (MANE Select); coding-DNA position 5108, T replaced by C.
Protein change: p.Leu1703Pro; replaces leucine 1703 with proline.
Molecular consequence: missense variant.
Genome position (GRCh38, 1-based): chr6:129,391,527, T>C. VCF-style: chr6-129391527-T-C. GRCh37 (hg19) VCF-style: chr6-129712672-T-C.
Other names: c.5108T>C, p.Leu1703Pro (NM_001079823.2); short protein forms L1703P.
Identifiers: ClinVar variation 1495181 (VCV001495181.3), dbSNP rs750792174, ClinGen allele CA3993780.
Genomic context (GRCh38, chr6:129,391,527, plus strand): 5'-CAAAATTTGTTTTACCCCCTGCAGCTGTAAATGAAAAAGCTATAAAACTAAATGAAACTC[T>C]AGGAACTCGAGACGAGGCCTTTGAGAGAAATTTGGAAGGGCTTCAGAAAGAGATTGACCA-3'
Protein context (NP_000417.3, residues 1693-1713): NEKAIKLNET[Leu1703Pro]GTRDEAFERN

ClinVar aggregate classification (germline): Uncertain significance (1 of 4 stars; one submission).

Conditions:
LAMA2-related muscular dystrophy (LAMA2-RD). Also called: Laminin alpha 2-related dystrophy. Identifiers: MedGen C5679788, MONDO:0100228.

Allele frequency attached by ClinVar (database versions not stated): gnomAD exomes below 0.00001; ExAC 0.00001.
gnomAD v4.1: 4 of 1,613,958 alleles (0.00025%); highest among the groups gnomAD compares: Admixed American, 0.0017%; no homozygotes.

Submission:

Labcorp Genetics (formerly Invitae), Labcorp
Classification: Uncertain significance for LAMA2-related muscular dystrophy. Last evaluated: 2021-11-16. Review status: criteria provided, single submitter. Criteria: Invitae Variant Classification Sherloc (09022015). Collection method: clinical testing. Allele origin: germline.
Comment: This sequence change replaces leucine, which is neutral and non-polar, with proline, which is neutral and non-polar, at codon 1703 of the LAMA2 protein (p.Leu1703Pro). This variant is not present in population databases (gnomAD no frequency). This variant has not been reported in the literature in individuals affected with LAMA2-related conditions. Advanced modeling of protein sequence and biophysical properties (such as structural, functional, and spatial information, amino acid conservation, physicochemical variation, residue mobility, and thermodynamic stability) performed at Invitae indicates that this missense variant is not expected to disrupt LAMA2 protein function. In summary, the available evidence is currently insufficient to determine the role of this variant in disease. Therefore, it has been classified as a Variant of Uncertain Significance.